The following is an entry in ClinVar:

NM_006767.4(LZTR1):c.163C>T (p.Arg55Trp)

Gene: LZTR1 (leucine zipper like post translational regulator 1; plus strand). Cytogenetic location: 22q11.21.
Variant type: single nucleotide variant.
Coding change: c.163C>T on transcript NM_006767.4 (MANE Select); coding-DNA position 163, C replaced by T.
Protein change: p.Arg55Trp; replaces arginine 55 with tryptophan.
Molecular consequence: missense variant.
Genome position (GRCh38, 1-based): chr22:20,982,534, C>T. VCF-style: chr22-20982534-C-T. GRCh37 (hg19) VCF-style: chr22-21336823-C-T.
Other names: c.163C>T (NM_006767.3); short protein forms R55W.
Identifiers: ClinVar variation 1710263 (VCV001710263.5), dbSNP rs1924233130, ClinGen allele CA410778032.

ClinVar aggregate classification (germline): Uncertain significance. Review status: criteria provided, single submitter (1 of 4 stars). 2 submissions from 2 submitters: Uncertain significance (1). 1 of the submissions does not count toward it. Last evaluated 2025-04-22.

Conditions:
Cardiovascular phenotype. Identifiers: MedGen CN230736.
Hereditary cancer-predisposing syndrome. Also called: Neoplastic Syndromes, Hereditary; Tumor predisposition; Hereditary Cancer Syndrome; Hereditary neoplastic syndrome. Identifiers: Orphanet 140162, MedGen C0027672, MeSH D009386, MONDO:0015356.
Noonan syndrome 10 (NS10). Identifiers: Orphanet 648, MedGen C4225280, MONDO:0014693, OMIM 616564.

Allele frequency attached by ClinVar (database versions not stated): gnomAD 0.00001.

Submissions (2):

Ambry Genetics
Classification: Uncertain significance for Cardiovascular phenotype; Hereditary cancer-predisposing syndrome. Last evaluated: 2025-04-22. Review status: criteria provided, single submitter. Criteria: Ambry Variant Classification Scheme 2023. Collection method: clinical testing. Allele origin: germline.
Comment: The p.R55W variant (also known as c.163C>T), located in coding exon 1 of the LZTR1 gene, results from a C to T substitution at nucleotide position 163. The arginine at codon 55 is replaced by tryptophan, an amino acid with dissimilar properties. This amino acid position is highly conserved in available vertebrate species. In addition, this alteration is predicted to be deleterious by in silico analysis. Based on the available evidence, the clinical significance of this variant remains unclear.

Clinical Genetics Laboratory, University Hospital Schleswig-Holstein
Classification: Uncertain significance for Noonan syndrome 10. Last evaluated: 2022-06-02. Review status: no assertion criteria provided. Collection method: clinical testing. Allele origin: germline. Affected: yes. Not counted in ClinVar's aggregate classification.